The following is an entry in ClinVar:

ClinVar aggregate classification (germline): Uncertain significance (1 of 4 stars; one submission).

Conditions:
Severe combined immunodeficiency, autosomal recessive, T cell-negative, B cell-negative, NK cell-positive. Also called: SCID, AR, T-cell negative, B-cell negative, NK cell-positive; SCID, T CELL-NEGATIVE, B CELL-NEGATIVE, NK CELL-POSITIVE; Severe combined immunodeficiency due to complete RAG1/2 deficiency. Identifiers: Orphanet 331206, MedGen C1832322, MONDO:0011086, OMIM 601457.
Combined immunodeficiency with skin granulomas. Identifiers: Orphanet 157949, MedGen C2673536, MONDO:0009306, OMIM 233650.

Allele frequency attached by ClinVar (database versions not stated): gnomAD exomes below 0.00001; ExAC 0.00001; TOPMed 0.00001.
gnomAD v4.1: 1 of 1,614,196 alleles (0.000062%); highest among the groups gnomAD compares: East Asian, 0.0022%; no homozygotes.

Submission:

Labcorp Genetics (formerly Invitae), Labcorp
Classification: Uncertain significance for Combined immunodeficiency with skin granulomas; Severe combined immunodeficiency, autosomal recessive, T cell-negative, B cell-negative, NK cell-positive. Last evaluated: 2022-07-19. Review status: criteria provided, single submitter. Criteria: Invitae Variant Classification Sherloc (09022015). Collection method: clinical testing. Allele origin: germline.
Comment: This sequence change replaces asparagine, which is neutral and polar, with histidine, which is basic and polar, at codon 428 of the RAG2 protein (p.Asn428His). This variant is present in population databases (rs757316422, gnomAD 0.006%). This variant has not been reported in the literature in individuals affected with RAG2-related conditions. ClinVar contains an entry for this variant (Variation ID: 1365582). Advanced modeling of protein sequence and biophysical properties (such as structural, functional, and spatial information, amino acid conservation, physicochemical variation, residue mobility, and thermodynamic stability) performed at Invitae indicates that this missense variant is expected to disrupt RAG2 protein function. In summary, the available evidence is currently insufficient to determine the role of this variant in disease. Therefore, it has been classified as a Variant of Uncertain Significance.

NM_000536.4(RAG2):c.1282A>C (p.Asn428His)

Gene: RAG2 (recombination activating 2; minus strand). Cytogenetic location: 11p12.
Variant type: single nucleotide variant.
Coding change: c.1282A>C on transcript NM_000536.4 (MANE Select); coding-DNA position 1282, A replaced by C.
Protein change: p.Asn428His; replaces asparagine 428 with histidine.
Molecular consequence: missense variant.
Genome position (GRCh38, 1-based): chr11:36,592,887, T>G on the plus strand (A>C on the coding strand, the complement: RAG2 is on the minus strand). VCF-style: chr11-36592887-T-G. GRCh37 (hg19) VCF-style: chr11-36614437-T-G.
Other names: c.1282A>C, p.Asn428His (NM_001243785.2, NM_001243786.2); short protein forms N428H.
Identifiers: ClinVar variation 1365582 (VCV001365582.5), dbSNP rs757316422, ClinGen allele CA5950441.